The following is an entry in ClinVar:

NM_001123385.2(BCOR):c.3232G>T (p.Glu1078Ter)

Gene: BCOR (BCL6 corepressor; minus strand). Cytogenetic location: Xp11.4.
Variant type: single nucleotide variant.
Coding change: c.3232G>T on transcript NM_001123385.2 (MANE Select); coding-DNA position 3232, G replaced by T.
Protein change: p.Glu1078Ter; replaces glutamic acid 1078 with a stop codon.
Molecular consequence: nonsense.
Genome position (GRCh38, 1-based): chrX:40,070,979, C>A on the plus strand (G>T on the coding strand, the complement: BCOR is on the minus strand). VCF-style: chrX-40070979-C-A. GRCh37 (hg19) VCF-style: chrX-39930232-C-A.
Other names: c.3232G>T, p.Glu1078Ter (NM_001123383.2, NM_017745.6); c.3178G>T, p.Glu1060Ter (NM_001123384.2); short protein forms E1060*, E1078*.
Identifiers: ClinVar variation 3235965 (VCV003235965.1), dbSNP rs2519845902, ClinGen allele CA412740319.

ClinVar aggregate classification (germline): Likely pathogenic (1 of 4 stars; one submission).

Conditions:
Oculofaciocardiodental syndrome (MCOPS2). Identifiers: Orphanet 2712, MedGen C1846265, MONDO:0010261, OMIM 300166.

Submission:

MVZ Medizinische Genetik Mainz
Classification: Likely pathogenic for Oculofaciocardiodental syndrome. Last evaluated: 2023-06-12. Review status: criteria provided, single submitter. Criteria: UK Practice Guidelines For Variant Classification V4 01 2020. Collection method: clinical testing. Allele origin: germline. Inheritance: Unknown mechanism. Affected: yes. Observed: 1 variant allele.
Comment: ACMG Criteria: PVS1,PM2_SUP